The following is an entry in ClinVar:

ClinVar aggregate classification (germline): Uncertain significance (1 of 4 stars; one submission).

Allele frequency attached by ClinVar (database versions not stated): ExAC 0.00002; gnomAD exomes 0.00005; ESP Exome Variant Server 0.00008; gnomAD 0.00013; TOPMed 0.00014.
gnomAD v4.1: 40 of 1,613,340 alleles (0.0025%); highest among the groups gnomAD compares: African/African-American, 0.029%; no homozygotes.

Submission:

Labcorp Genetics (formerly Invitae), Labcorp
Classification: Uncertain significance. Last evaluated: 2025-01-19. Review status: criteria provided, single submitter. Criteria: Invitae Variant Classification Sherloc (09022015). Collection method: clinical testing. Allele origin: germline.
Comment: This sequence change falls in intron 10 of the XPR1 gene. It does not directly change the encoded amino acid sequence of the XPR1 protein. It affects a nucleotide within the consensus splice site. This variant is present in population databases (rs377742389, gnomAD 0.02%). This variant has not been reported in the literature in individuals affected with XPR1-related conditions. ClinVar contains an entry for this variant (Variation ID: 1512495). Variants that disrupt the consensus splice site are a relatively common cause of aberrant splicing (PMID: 17576681, 9536098). Algorithms developed to predict the effect of sequence changes on RNA splicing suggest that this variant is not likely to affect RNA splicing. In summary, the available evidence is currently insufficient to determine the role of this variant in disease. Therefore, it has been classified as a Variant of Uncertain Significance.

Literature cited by the submitters: PubMed 17576681; PubMed 9536098.

NM_004736.4(XPR1):c.1306+4G>A

Gene: XPR1 (xenotropic and polytropic retrovirus receptor 1; plus strand). Cytogenetic location: 1q25.3.
Variant type: single nucleotide variant.
Coding change: c.1306+4G>A on transcript NM_004736.4 (MANE Select); 4 bases into the intron after coding-DNA position 1306, G replaced by A.
Molecular consequence: intron variant.
Genome position (GRCh38, 1-based): chr1:180,835,049, G>A. VCF-style: chr1-180835049-G-A. GRCh37 (hg19) VCF-style: chr1-180804185-G-A.
Other names: c.1306+4G>A (NM_001135669.2, NM_001328662.2).
Identifiers: ClinVar variation 1512495 (VCV001512495.6), dbSNP rs377742389, ClinGen allele CA1272733.